The following is an entry in ClinVar:

NM_004115.4(FGF14):c.*1612G>T

Gene: FGF14 (fibroblast growth factor 14; minus strand). Cytogenetic location: 13q33.1.
Variant type: single nucleotide variant.
Coding change: c.*1612G>T on transcript NM_004115.4 (MANE Select); 1612 bases downstream of the stop codon, G replaced by T.
Molecular consequence: 3 prime UTR variant.
Genome position (GRCh38, 1-based): chr13:101,721,219, C>A on the plus strand (G>T on the coding strand, the complement: FGF14 is on the minus strand). VCF-style: chr13-101721219-C-A. GRCh37 (hg19) VCF-style: chr13-102373569-C-A.
Other names: c.*1612G>T (NM_001321931.1, NM_001321932.1, NM_001321933.1 and 17 more transcripts).
Identifiers: ClinVar variation 310865 (VCV000310865.6), dbSNP rs1046197, ClinGen allele CA10642693.

ClinVar aggregate classification (germline): Benign. Review status: criteria provided, multiple submitters, no conflicts (2 of 4 stars). 2 submissions from 2 submitters: Benign (2). Last evaluated 2018-01-13.

Conditions:
Spinocerebellar ataxia type 27 (SCA27). Identifiers: Orphanet 98764, MedGen C1836383, MONDO:0012247.

Allele frequency attached by ClinVar (database versions not stated): gnomAD 0.28765 and 0.29551; TOPMed 0.29076; 1000 Genomes Project 30x 0.33807; 1000 Genomes Project 0.34305.

Submissions (2):

Illumina Laboratory Services, Illumina
Classification: Benign for Spinocerebellar ataxia 27A. Last evaluated: 2018-01-13. Review status: criteria provided, single submitter. Criteria: ICSL Variant Classification Criteria 13 December 2019. Collection method: clinical testing. Allele origin: germline.
Comment: This variant was observed in the ICSL laboratory as part of a predisposition screen in an ostensibly healthy population. It had not been previously curated by ICSL or reported in the Human Gene Mutation Database (HGMD: prior to June 1st, 2018), and was therefore a candidate for classification through an automated scoring system. Utilizing variant allele frequency, disease prevalence and penetrance estimates, and inheritance mode, an automated score was calculated to assess if this variant is too frequent to cause the disease. Based on the score and internal cut-off values, a variant classified as benign is not then subjected to further curation. The score for this variant resulted in a classification of benign for this disease.

Breakthrough Genomics
Classification: Benign. Review status: criteria provided, single submitter. Criteria: ACMG Guidelines, 2015. Collection method: not provided. Allele origin: germline. Inheritance: Autosomal dominant inheritance. Affected: yes.